The following is an entry in ClinVar:

ClinVar aggregate classification (germline): Uncertain significance (1 of 4 stars; one submission).

Conditions:
Hereditary cancer-predisposing syndrome. Also called: Tumor predisposition; Hereditary Cancer Syndrome; Neoplastic Syndromes, Hereditary; Hereditary neoplastic syndrome. Identifiers: Orphanet 140162, MedGen C0027672, MeSH D009386, MONDO:0015356.

Submission:

Color Diagnostics, LLC DBA Color Health
Classification: Uncertain significance for Hereditary cancer-predisposing syndrome. Last evaluated: 2025-10-13. Review status: criteria provided, single submitter. Criteria: ACMG Guidelines, 2015. Collection method: clinical testing. Allele origin: germline.
Comment: This missense variant replaces asparagine with aspartic acid at codon 2348 of the BRCA2 protein. Computational prediction suggests that this variant may not impact protein structure and function. To our knowledge, functional studies have not been reported for this variant. This variant has not been reported in individuals affected with BRCA2-related disorders in the literature. This variant has not been identified in the general population by the Genome Aggregation Database (gnomAD). The available evidence is insufficient to determine the role of this variant in disease conclusively. Therefore, this variant is classified as a Variant of Uncertain Significance.

NM_000059.4(BRCA2):c.7042A>G (p.Asn2348Asp)

Gene: BRCA2 (BRCA2 DNA repair associated; plus strand). Cytogenetic location: 13q13.1.
Variant type: single nucleotide variant.
Coding change: c.7042A>G on transcript NM_000059.4 (MANE Select); coding-DNA position 7042, A replaced by G.
Protein change: p.Asn2348Asp; replaces asparagine 2348 with aspartic acid.
Molecular consequence: missense variant. On other transcripts: non-coding transcript variant (1).
Genome position (GRCh38, 1-based): chr13:32,354,895, A>G. VCF-style: chr13-32354895-A-G. GRCh37 (hg19) VCF-style: chr13-32929032-A-G.
Other names: c.6946A>G, p.Asn2316Asp (NM_001406719.1); c.7042A>G, p.Asn2348Asp (NM_001406720.1, NM_001432077.1); c.2110A>G, p.Asn704Asp (NM_001406721.1); c.625A>G, p.Asn209Asp (NM_001406722.1); short protein forms N209D, N2316D, N2348D, N704D.
Identifiers: ClinVar variation 4758251 (VCV004758251.1).
Genomic context (GRCh38, chr13:32,354,895, plus strand): 5'-ACTTATATATTTTCTCCCCATTGCAGCACAACTAAGGAACGTCAAGAGATACAGAATCCA[A>G]ATTTTACCGCACCTGGTCAAGAATTTCTGTCTAAATCTCATTTGTATGAACATCTGACTT-3'
Protein context (NP_000050.3, residues 2338-2358): TKERQEIQNP[Asn2348Asp]FTAPGQEFLS